The following is an entry in ClinVar:

NM_014159.7(SETD2):c.2140T>C (p.Cys714Arg)

Gene: SETD2 (SET domain containing 2, histone lysine methyltransferase; minus strand). Cytogenetic location: 3p21.31.
Variant type: single nucleotide variant.
Coding change: c.2140T>C on transcript NM_014159.7 (MANE Select); coding-DNA position 2140, T replaced by C.
Protein change: p.Cys714Arg; replaces cysteine 714 with arginine.
Molecular consequence: missense variant. On other transcripts: non-coding transcript variant (1).
Genome position (GRCh38, 1-based): chr3:47,122,496, A>G on the plus strand (T>C on the coding strand, the complement: SETD2 is on the minus strand). VCF-style: chr3-47122496-A-G. GRCh37 (hg19) VCF-style: chr3-47163986-A-G.
Other names: c.2008T>C, p.Cys670Arg (NM_001349370.3); short protein forms C670R, C714R.
Identifiers: ClinVar variation 1305643 (VCV001305643.2), dbSNP rs2106679915, ClinGen allele CA352527742.

ClinVar aggregate classification (germline): Uncertain significance (1 of 4 stars; one submission).

Allele frequency attached by ClinVar (database versions not stated): gnomAD exomes below 0.00001.
gnomAD v4.1: 1 of 1,614,184 alleles (0.000062%); highest among the groups gnomAD compares: Non-Finnish European, 0.000085%; no homozygotes.

Submission:

GeneDx
Classification: Uncertain significance. Last evaluated: 2019-05-01. Review status: criteria provided, single submitter. Criteria: GeneDx Variant Classification Process June 2021. Collection method: clinical testing. Allele origin: germline. Affected: yes.
Comment: Not observed in large population cohorts (Lek et al., 2016); In silico analysis, which includes protein predictors and evolutionary conservation, supports a deleterious effect; Has not been previously published as pathogenic or benign to our knowledge